The following is an entry in ClinVar:

ClinVar aggregate classification (germline): Pathogenic (1 of 4 stars; one submission).

Conditions:
Propionic acidemia (PROP). Also called: GLYCINEMIA, KETOTIC; HYPERGLYCINEMIA WITH KETOACIDOSIS AND LEUKOPENIA; KETOTIC HYPERGLYCINEMIA. Identifiers: Orphanet 35, MedGen C0268579, MONDO:0011628, OMIM 606054, HP:0003571.

Submission:

Labcorp Genetics (formerly Invitae), Labcorp
Classification: Pathogenic for Propionic acidemia. Last evaluated: 2023-04-10. Review status: criteria provided, single submitter. Criteria: Invitae Variant Classification Sherloc (09022015). Collection method: clinical testing. Allele origin: germline.
Comment: For these reasons, this variant has been classified as Pathogenic. This variant has not been reported in the literature in individuals affected with PCCA-related conditions. This variant is not present in population databases (gnomAD no frequency). This sequence change creates a premature translational stop signal (p.Arg17Alafs*32) in the PCCA gene. It is expected to result in an absent or disrupted protein product. Loss-of-function variants in PCCA are known to be pathogenic (PMID: 15464417).

Literature cited by the submitters: PubMed 15464417.

NM_000282.4(PCCA):c.49_53del (p.Arg17fs)

Gene: PCCA (propionyl-CoA carboxylase subunit alpha; plus strand). Cytogenetic location: 13q32.3.
Variant type: Deletion.
Coding change: c.49_53del on transcript NM_000282.4 (MANE Select); coding-DNA positions 49 to 53, 5 bases deleted (CGTGG; older notation c.49_53delCGTGG).
Protein change: p.Arg17fs; shifts the reading frame from arginine 17.
Molecular consequence: frameshift variant. On other transcripts: 5 prime UTR variant (3), non-coding transcript variant (5).
Genome position (GRCh38, 1-based): chr13:100,089,169-100,089,173, CGTGG deleted; deleting any 5 consecutive bases within chr13:100,089,167-100,089,173 gives the same sequence; the c. name uses the placement nearest the transcript's 3' end. VCF-style (leftmost placement, unchanged base first): chr13-100089166-CGGCGT-C. GRCh37 (hg19) VCF-style: chr13-100741420-CGGCGT-C.
Other names: c.49_53del, p.Arg17fs (NM_001352606.2, NM_001352607.2, NM_001352608.2 and 4 more transcripts); c.-818_-814del (NM_001352610.2, NM_001352611.2, NM_001352612.2); short protein forms R17fs.
Identifiers: ClinVar variation 2854583 (VCV002854583.3), dbSNP rs2541951597, ClinGen allele CA2739277689.